The following is an entry in ClinVar:

ClinVar aggregate classification (germline): Uncertain significance (1 of 4 stars; one submission).

Allele frequency attached by ClinVar (database versions not stated): gnomAD exomes 0.00002; gnomAD 0.00003; TOPMed 0.00003; ExAC 0.00004.

Submission:

GeneDx
Classification: Uncertain significance. Last evaluated: 2022-04-18. Review status: criteria provided, single submitter. Criteria: GeneDx Variant Classification Process June 2021. Collection method: clinical testing. Allele origin: germline. Affected: yes.
Comment: In silico analysis supports that this missense variant has a deleterious effect on protein structure/function; Has not been previously published as pathogenic or benign to our knowledge

NM_001372044.2(SHANK3):c.4202C>T (p.Pro1401Leu)

Gene: SHANK3 (SH3 and multiple ankyrin repeat domains 3; plus strand). Cytogenetic location: 22q13.33.
Variant type: single nucleotide variant.
Coding change: c.4202C>T on transcript NM_001372044.2 (MANE Select); coding-DNA position 4202, C replaced by T.
Protein change: p.Pro1401Leu; replaces proline 1401 with leucine.
Molecular consequence: missense variant.
Genome position (GRCh38, 1-based): chr22:50,721,810, C>T. VCF-style: chr22-50721810-C-T. GRCh37 (hg19) VCF-style: chr22-51160238-C-T.
Other names: c.3977C>T (NM_033517.1); short protein forms P1401L.
Identifiers: ClinVar variation 1327640 (VCV001327640.3), dbSNP rs768398764, ClinGen allele CA10326187.